The following is an entry in ClinVar:

NM_025137.4(SPG11):c.1513C>T (p.Leu505Phe)

Gene: SPG11 (SPG11 vesicle trafficking associated, spatacsin; minus strand). Cytogenetic location: 15q21.1.
Variant type: single nucleotide variant.
Coding change: c.1513C>T on transcript NM_025137.4 (MANE Select); coding-DNA position 1513, C replaced by T.
Protein change: p.Leu505Phe; replaces leucine 505 with phenylalanine.
Molecular consequence: missense variant.
Genome position (GRCh38, 1-based): chr15:44,648,955, G>A on the plus strand (C>T on the coding strand, the complement: SPG11 is on the minus strand). VCF-style: chr15-44648955-G-A. GRCh37 (hg19) VCF-style: chr15-44941153-G-A.
Other names: c.1513C>T, p.Leu505Phe (NM_001160227.2); short protein forms L505F.
Identifiers: ClinVar variation 1429247 (VCV001429247.7), dbSNP rs752258108, ClinGen allele CA7535530.

ClinVar aggregate classification (germline): Uncertain significance (1 of 4 stars; one submission).

Conditions:
Hereditary spastic paraplegia 11. Also called: Nakamura Osame syndrome; Autosomal recessive hereditary spastic paraplegia, mental impairment, and thin corpus callosum; Spastic Paraplegia 11; Spastic paraplegia, mental retardation and thin corpus callosum; SPASTIC PARAPLEGIA, AUTOSOMAL RECESSIVE, COMPLICATED, WITH THIN CORPUS CALLOSUM; SPASTIC PARAPLEGIA, AUTOSOMAL RECESSIVE, WITH MENTAL IMPAIRMENT AND THIN CORPUS CALLOSUM. Identifiers: Orphanet 2822, MedGen C1858479, MONDO:0011445, OMIM 604360.

Allele frequency attached by ClinVar (database versions not stated): gnomAD exomes 0.00001; ExAC 0.00002.
gnomAD v4.1: 12 of 1,613,940 alleles (0.00074%); highest among the groups gnomAD compares: Non-Finnish European, 0.001%; no homozygotes.

Submission:

Labcorp Genetics (formerly Invitae), Labcorp
Classification: Uncertain significance for Hereditary spastic paraplegia 11. Last evaluated: 2024-11-07. Review status: criteria provided, single submitter. Criteria: Invitae Variant Classification Sherloc (09022015). Collection method: clinical testing. Allele origin: germline.
Comment: This sequence change replaces leucine, which is neutral and non-polar, with phenylalanine, which is neutral and non-polar, at codon 505 of the SPG11 protein (p.Leu505Phe). This variant is present in population databases (rs752258108, gnomAD 0.003%). This variant has not been reported in the literature in individuals affected with SPG11-related conditions. ClinVar contains an entry for this variant (Variation ID: 1429247). Invitae Evidence Modeling of protein sequence and biophysical properties (such as structural, functional, and spatial information, amino acid conservation, physicochemical variation, residue mobility, and thermodynamic stability) indicates that this missense variant is expected to disrupt SPG11 protein function with a positive predictive value of 80%. In summary, the available evidence is currently insufficient to determine the role of this variant in disease. Therefore, it has been classified as a Variant of Uncertain Significance.